The following is an entry in ClinVar:

ClinVar aggregate classification (germline): Uncertain significance (1 of 4 stars; one submission).

gnomAD v4.1: 1 of 1,614,244 alleles (0.000062%); highest among the groups gnomAD compares: South Asian, 0.0011%; no homozygotes.

Submission:

Athena Diagnostics
Classification: Uncertain significance. Last evaluated: 2024-10-24. Review status: criteria provided, single submitter. Criteria: Athena Diagnostics Criteria. Collection method: clinical testing. Allele origin: unknown.
Comment: Available data are insufficient to determine the clinical significance of the variant at this time. This variant has not been reported in large, multi-ethnic general populations. Polyphen and MutationTaster yielded discordant predictions regarding whether this amino acid change is damaging to the protein.

NM_006946.4(SPTBN2):c.3803A>G (p.Gln1268Arg)

Gene: SPTBN2 (spectrin beta, non-erythrocytic 2; minus strand). Cytogenetic location: 11q13.2.
Variant type: single nucleotide variant.
Coding change: c.3803A>G on transcript NM_006946.4 (MANE Select); coding-DNA position 3803, A replaced by G.
Protein change: p.Gln1268Arg; replaces glutamine 1268 with arginine.
Molecular consequence: missense variant.
Genome position (GRCh38, 1-based): chr11:66,699,056, T>C on the plus strand (A>G on the coding strand, the complement: SPTBN2 is on the minus strand). VCF-style: chr11-66699056-T-C. GRCh37 (hg19) VCF-style: chr11-66466527-T-C.
Other names: c.3824A>G, p.Gln1275Arg (NM_001411025.1); short protein forms Q1268R, Q1275R.
Identifiers: ClinVar variation 3571689 (VCV003571689.1).